The following is an entry in ClinVar:

ClinVar aggregate classification (germline): Uncertain significance. Review status: criteria provided, multiple submitters, no conflicts (2 of 4 stars). 2 submissions from 2 submitters: Uncertain significance (2). Last evaluated 2024-03-20.

Conditions:
Immunodeficiency 57. Also called: IMMUNODEFICIENCY 57 WITH AUTOINFLAMMATION. Identifiers: MedGen C4748212, MONDO:0020849, OMIM 618108.

Submissions (2):

Labcorp Genetics (formerly Invitae), Labcorp
Classification: Uncertain significance. Last evaluated: 2024-03-20. Review status: criteria provided, single submitter. Criteria: Invitae Variant Classification Sherloc (09022015). Collection method: clinical testing. Allele origin: germline.
Comment: This sequence change replaces glutamine, which is neutral and polar, with lysine, which is basic and polar, at codon 375 of the RIPK1 protein (p.Gln375Lys). Information on the frequency of this variant in the gnomAD database is not available, as this variant may be reported differently in the database. This variant has not been reported in the literature in individuals affected with RIPK1-related conditions. Experimental studies and prediction algorithms are not available or were not evaluated, and the functional significance of this variant is currently unknown. In summary, the available evidence is currently insufficient to determine the role of this variant in disease. Therefore, it has been classified as a Variant of Uncertain Significance.

Neuberg Centre For Genomic Medicine, NCGM
Classification: Uncertain significance for Immunodeficiency 57. Review status: criteria provided, single submitter. Criteria: ACMG Guidelines, 2015. Collection method: clinical testing. Allele origin: germline. Inheritance: Autosomal recessive inheritance. Affected: yes.
Comment: The missense c.1123C>Ap.Gln375Lys variant in RIPK1 gene has not been reported previously as a pathogenic variant nor as a benign variant, to our knowledge. This variant is reported with the allele frequency of 0.0004% in the gnomAD Exomes and novel in 1000 Genomes. The amino acid Gln at position 375 is changed to a Lys changing protein sequence and it might alter its composition and physico-chemical properties. The amino acid change p.Gln375Lys in RIPK1 is predicted as conserved by GERP++ and PhyloP across 100 vertebrates. The variant is predicted as damaging by SIFT. For these reasons, this variant has been classified as Uncertain Significance.

NM_001354930.2(RIPK1):c.1122_1123delinsAA (p.Gln375Lys)

Gene: RIPK1 (receptor interacting serine/threonine kinase 1; plus strand). Cytogenetic location: 6p25.2.
Variant type: Indel.
Coding change: c.1122_1123delinsAA on transcript NM_001354930.2 (MANE Select); coding-DNA positions 1122 to 1123, GC replaced by AA.
Protein change: p.Gln375Lys; replaces glutamine 375 with lysine.
Molecular consequence: missense variant.
Genome position (GRCh38, 1-based): chr6:3,105,597-3,105,598, GC replaced by AA. VCF-style: chr6-3105597-GC-AA. GRCh37 (hg19) VCF-style: chr6-3105831-GC-AA.
Other names: c.1122_1123delGCinsAA (NM_001354930.2); c.633_634delinsAA, p.Gln212Lys (NM_001317061.3, NM_001354932.2, NM_001354933.2 and 1 more transcripts); c.984_985delinsAA, p.Gln329Lys (NM_001354931.2); c.1122_1123delinsAA, p.Gln375Lys (NM_003804.6); short protein forms Q212K, Q329K, Q375K.
Identifiers: ClinVar variation 2810139 (VCV002810139.4), dbSNP rs2533342065, ClinGen allele CA2739272827.